The following is an entry in ClinVar:

NM_024577.4(SH3TC2):c.826T>A (p.Leu276Met)

Gene: SH3TC2 (SH3 domain and tetratricopeptide repeats 2; minus strand). Cytogenetic location: 5q32.
Variant type: single nucleotide variant.
Coding change: c.826T>A on transcript NM_024577.4 (MANE Select); coding-DNA position 826, T replaced by A.
Protein change: p.Leu276Met; replaces leucine 276 with methionine.
Molecular consequence: missense variant.
Genome position (GRCh38, 1-based): chr5:149,038,470, A>T on the plus strand (T>A on the coding strand, the complement: SH3TC2 is on the minus strand). VCF-style: chr5-149038470-A-T. GRCh37 (hg19) VCF-style: chr5-148418033-A-T.
Other names: short protein forms L276M.
Identifiers: ClinVar variation 659029 (VCV000659029.10), dbSNP rs1580908028, ClinGen allele CA361673190.

ClinVar aggregate classification (germline): Uncertain significance (1 of 4 stars; one submission).

Conditions:
Charcot-Marie-Tooth disease type 4. Also called: Charcot-Marie-Tooth, Type 4; Charcot-Marie-Tooth disease, type IV. Identifiers: Orphanet 64749, MedGen C4082197, MONDO:0018995.

Allele frequency attached by ClinVar (database versions not stated): gnomAD exomes 0.00002.
gnomAD v4.1: 14 of 1,614,096 alleles (0.00087%); highest among the groups gnomAD compares: Non-Finnish European, 0.0011%; no homozygotes.

Submission:

Labcorp Genetics (formerly Invitae), Labcorp
Classification: Uncertain significance for Charcot-Marie-Tooth disease type 4. Last evaluated: 2021-04-11. Review status: criteria provided, single submitter. Criteria: Invitae Variant Classification Sherloc (09022015). Collection method: clinical testing. Allele origin: germline.
Comment: In summary, the available evidence is currently insufficient to determine the role of this variant in disease. Therefore, it has been classified as a Variant of Uncertain Significance. Algorithms developed to predict the effect of missense changes on protein structure and function output the following: SIFT: "Tolerated"; PolyPhen-2: "Benign"; Align-GVGD: "Class C0". The methionine amino acid residue is found in multiple mammalian species, suggesting that this missense change does not adversely affect protein function. These predictions have not been confirmed by published functional studies and their clinical significance is uncertain. This variant has not been reported in the literature in individuals with SH3TC2-related conditions. This variant is not present in population databases (ExAC no frequency). This sequence change replaces leucine with methionine at codon 276 of the SH3TC2 protein (p.Leu276Met). The leucine residue is moderately conserved and there is a small physicochemical difference between leucine and methionine.